The following is an entry in ClinVar:

ClinVar aggregate classification (germline): Uncertain significance (1 of 4 stars; one submission).

Allele frequency attached by ClinVar (database versions not stated): TOPMed below 0.00001; gnomAD 0.00001; gnomAD exomes 0.00001; ExAC 0.00005.
gnomAD v4.1: 6 of 1,551,568 alleles (0.00039%); highest among the groups gnomAD compares: South Asian, 0.0071%; no homozygotes.

Submission:

Labcorp Genetics (formerly Invitae), Labcorp
Classification: Uncertain significance. Last evaluated: 2022-10-24. Review status: criteria provided, single submitter. Criteria: Invitae Variant Classification Sherloc (09022015). Collection method: clinical testing. Allele origin: germline.
Comment: In summary, the available evidence is currently insufficient to determine the role of this variant in disease. Therefore, it has been classified as a Variant of Uncertain Significance. Algorithms developed to predict the effect of sequence changes on RNA splicing suggest that this variant may create or strengthen a splice site. ClinVar contains an entry for this variant (Variation ID: 1464641). This variant has not been reported in the literature in individuals affected with CDHR1-related conditions. The frequency data for this variant in the population databases is considered unreliable, as metrics indicate poor data quality at this position in the gnomAD database. This sequence change affects codon 117 of the CDHR1 mRNA. It is a 'silent' change, meaning that it does not change the encoded amino acid sequence of the CDHR1 protein.

NM_033100.4(CDHR1):c.351G>A (p.Val117=)

Gene: CDHR1 (cadherin related family member 1; plus strand). Cytogenetic location: 10q23.1.
Variant type: single nucleotide variant.
Coding change: c.351G>A on transcript NM_033100.4 (MANE Select); coding-DNA position 351, G replaced by A.
Protein change: p.Val117=; no amino-acid change (valine 117 retained).
Molecular consequence: synonymous variant.
Genome position (GRCh38, 1-based): chr10:84,199,034, G>A. VCF-style: chr10-84199034-G-A. GRCh37 (hg19) VCF-style: chr10-85958790-G-A.
Other names: c.351G>A, p.Val117= (NM_001171971.3).
Identifiers: ClinVar variation 1464641 (VCV001464641.8), dbSNP rs761637451, ClinGen allele CA5579525.